The following is an entry in ClinVar:

ClinVar aggregate classification (germline): Conflicting classifications of pathogenicity. Review status: criteria provided, conflicting classifications (1 of 4 stars). 17 submissions from 17 submitters: Pathogenic (4); Likely pathogenic (5); Uncertain significance (8). Last evaluated 2026-07-30.

Conditions:
Acute rhabdomyolysis. Identifiers: MedGen C3807306, HP:0008942.
Carnitine deficiency. Identifiers: MedGen C1142132.
SLC22A5-related disorder. Also called: SLC22A5-related condition.
Renal carnitine transport defect (CDSP). Also called: CARNITINE DEFICIENCY, SYSTEMIC, DUE TO DEFECT IN RENAL REABSORPTION OF CARNITINE; CARNITINE TRANSPORTER, PLASMA-MEMBRANE, DEFICIENCY OF; CARNITINE UPTAKE DEFECT; Primary carnitine deficiency; Carnitine transporter deficiency; Systemic primary carnitine deficiency disease. Identifiers: Orphanet 158, MedGen C0342788, MONDO:0008919, OMIM 212140.

Allele frequency attached by ClinVar (database versions not stated): gnomAD exomes 0.00025 and 0.00011; gnomAD 0.00114 and 0.00110; 1000 Genomes Project 0.00160; ESP Exome Variant Server 0.00123; 1000 Genomes Project 30x 0.00125; ExAC 0.00029; TOPMed 0.00122.
gnomAD v4.1: 327 of 1,614,180 alleles (0.02%); highest among the groups gnomAD compares: African/African-American, 0.4%; 1 homozygote.

Submissions 1 to 7 of 17:

GeneDx
Classification: Uncertain significance. Last evaluated: 2026-07-30. Review status: criteria provided, single submitter. Criteria: GeneDx Variant Classification Process June 2021. Collection method: clinical testing. Allele origin: germline.
Comment: Observed with and without a second variant in SLC22A5 in patients with abnormal newborn screening for primary carnitine deficiency referred for genetic testing at GeneDx and in published literature (PMID: 15714519, 35281663, 20574985); Reported in an individual with 12.4% carnitine transport activity in fibroblasts who also harbored a frameshift variant in SLC22A5, however it is not known whether the two variants occurred on the same (in cis) or opposite (in trans) allele (PMID: 28841266); Published expression studies are conflicting as to whether the p.(Y449D) variant reduces carnitine transport to a level expected to be pathogenic (PMID: 16931768, 14665638, 36343260, 18337137); In silico analysis supports that this missense variant has a deleterious effect on protein structure/function; This variant is associated with the following publications: (PMID: 26828774, 18673259, 16602102, 23379544, 14665638, 23757202, 19940846, 16652335, 31980526, 36343260, 15714519, 34637945, 20574985, 25087612, 18337137, 16931768, 31200524, 32778825, 28841266, 35281663, 38166572, 41310792)

Women's Health and Genetics/Laboratory Corporation of America, LabCorp
Classification: Pathogenic for Renal carnitine transport defect. Last evaluated: 2026-06-03. Review status: criteria provided, single submitter. Criteria: LabCorp Variant Classification Summary - May 2015. Collection method: clinical testing. Allele origin: germline.
Comment: Variant summary: SLC22A5 c.1345T>G (p.Tyr449Asp) results in a non-conservative amino acid change located in the Major facilitator superfamily domain (IPR020846) of the encoded protein sequence. Algorithms developed to predict the effect of missense changes on protein structure and function all suggest that this variant is likely to be disruptive. The variant allele was found at a frequency of 0.00025 in 251478 control chromosomes. This frequency is not significantly higher than estimated for disease-causing variants in SLC22A5, allowing no conclusion about variant significance. c.1345T>G has been observed in individual(s) affected with Systemic Primary Carnitine Deficiency (Frigeni_2017, Li_2010, Amat di San Fillippo_2004, Dobrowlski_2005, Guevara-Campos_2019, internal data). These data indicate that the variant may be associated with disease. Two publications report experimental evidence evaluating an impact on protein function (Amat di San Fillippo_2004, Urban_2006). One study shows that this variant results in 18% of carnitine transporter activity in an in-vitro assay (Amat di San Fillippo_2004). Internally validated machine learning-based Evidence Modelingof protein sequence and biophysical properties (such as structural, functional, and spatial information, amino acid conservation, physicochemical variation, residue mobility, and thermodynamic stability) indicates that this missense variant is expected to disrupt SLC22A5 protein function with a positive predictive value of at least 95%. The following publications have been ascertained in the context of this evaluation (PMID: 14665638, 15714519, 28841266, 31200524, 20574985, 16931768). ClinVar contains an entry for this variant (Variation ID: 25420). Based on the evidence outlined above, the variant was classified as pathogenic.

PreventionGenetics, part of Exact Sciences
Classification: Uncertain significance for SLC22A5-related condition. Last evaluated: 2026-04-03. Review status: criteria provided, single submitter. Criteria: ACMG Guidelines, 2015. Collection method: clinical testing. Allele origin: germline.
Comment: The SLC22A5 c.1345T>G variant is predicted to result in the amino acid substitution p.Tyr449Asp. This variant has been reported with a second SLC22A5 variant in two patients with primary carnitine deficiency (PCD) (Li et al. 2010. PubMed ID: 20574985; Frigeni et al. 2017. PubMed ID: 28841266). It has also been reported, in the heterozygous state without a second variant, in an asymptomatic mother identified by newborn screening (Li et al. 2010. PubMed ID: 20574985) as well as in a patient with some features of PCD along with autism, intellectual disability, and developmental delay (Guevara-Campos et al. 2019. PubMed ID: 31200524). This variant has been reported in the homozygous and compound heterozygous state in individuals with an abnormal newborn screen suspicious of PCD (Internal Data, PreventionGenetics). In functional studies, the activity of the carnitine transporter has been reported to be reduced by the p.Tyr449Asp substitution, although the reported reduction in activity has varied from ~10-60% of wild-type (Amat di San Filippo et al. 2006. PubMed ID: 16652335; Urban et al. 2006. PubMed ID: 16931768; Frigeni et al. 2017. PubMed ID: 28841266). The c.1345T>G (p.Tyr449Asp) variant is reported in 0.37% of alleles in individuals of African descent in gnomAD, including one homozygote, which may be too common to be consistent with this variant being a primary cause of disease. This variant has conflicting classifications in ClinVar ranging from uncertain to pathogenic (ClinVar ID: 25420). At this time, the clinical significance of this variant is uncertain due to the absence of conclusive functional and genetic evidence.

Labcorp Genetics (formerly Invitae), Labcorp
Classification: Pathogenic for Renal carnitine transport defect. Last evaluated: 2026-02-03. Review status: criteria provided, single submitter. Criteria: Invitae Variant Classification Sherloc (09022015). Collection method: clinical testing. Allele origin: germline.
Comment: This sequence change replaces tyrosine, which is neutral and polar, with aspartic acid, which is acidic and polar, at codon 449 of the SLC22A5 protein (p.Tyr449Asp). This variant is present in population databases (rs11568514, gnomAD 0.4%). This missense change has been observed in individual(s) with primary carnitine deficiency (PMID: 28841266; internal data). In at least one individual the data is consistent with being in trans (on the opposite chromosome) from a pathogenic variant. ClinVar contains an entry for this variant (Variation ID: 25420). Invitae Evidence Modeling of protein sequence and biophysical properties (such as structural, functional, and spatial information, amino acid conservation, physicochemical variation, residue mobility, and thermodynamic stability) indicates that this missense variant is expected to disrupt SLC22A5 protein function with a positive predictive value of 95%. Experimental studies have shown that this missense change affects SLC22A5 function (PMID: 14665638, 16652335, 16931768, 18337137). For these reasons, this variant has been classified as Pathogenic.

Dasa
Classification: Likely pathogenic. Last evaluated: 2025-12-23. Review status: criteria provided, single submitter. Criteria: DASA Assertion Criteria. Collection method: clinical testing. Allele origin: germline.
Comment: NM_003060.4(SLC22A5):c.1345T>G (p.Tyr449Asp) is a missense variant that results in the substitution of tyrosine with aspartic acid. The affected residue or protein region has prior evidence supporting clinical relevance. This variant has been observed in affected individuals with related phenotype in a genotype context consistent with recessive disease (PMID: 14665638; PMID: 20574985; PMID: 16931768; PMID: 28841266). Functional evidence supports a deleterious effect on the gene or gene product (PMID: 14665638; PMID: 20574985; PMID: 16931768; PMID: 28841266). This variant has been recurrently observed in individuals with related phenotype (PMID: 14665638; PMID: 20574985; PMID: 16931768; PMID: 28841266). Multiple computational predictions support a deleterious effect on the gene or gene product. The variant is present at low frequency in population datasets. Based on the available data, this variant is classified as likely pathogenic.

Myriad Genetics, Inc.
Classification: Uncertain significance for Renal carnitine transport defect. Last evaluated: 2025-12-15. Review status: criteria provided, single submitter. Criteria: Myriad Autosomal Dominant, Autosomal Recessive and X-Linked Classification Criteria (2023). Collection method: clinical testing. Allele origin: unknown.
Comment: NM_003060.3(SLC22A5):c.1345T>G(Y449D) is a missense variant classified as a variant of uncertain significance in the context of primary carnitine deficiency. Y449D has been observed in cases with relevant disease (PMID: 28841266, 35281663, 14665638, 31200524). Relevant functional assessments of this variant are available in the literature (PMID: 14665638, 18337137, 16931768, 28841266, 36343260). Y449D has been observed in referenced population frequency databases. In summary, there is insufficient evidence to classify NM_003060.3(SLC22A5):c.1345T>G(Y449D) as pathogenic or benign. Please note: this variant was assessed in the context of healthy population screening.

Mayo Clinic Laboratories, Mayo Clinic
Classification: Likely pathogenic. Last evaluated: 2025-11-18. Review status: criteria provided, single submitter. Criteria: ACMG Guidelines, 2015. Collection method: clinical testing. Allele origin: germline. Observed: 3 variant alleles.
Comment: PP3, PM3, PS3_moderate

NM_003060.4(SLC22A5):c.1345T>G (p.Tyr449Asp)

Gene: SLC22A5 (solute carrier family 22 member 5; plus strand). Cytogenetic location: 5q31.1.
Variant type: single nucleotide variant.
Coding change: c.1345T>G on transcript NM_003060.4 (MANE Select); coding-DNA position 1345, T replaced by G.
Protein change: p.Tyr449Asp; replaces tyrosine 449 with aspartic acid.
Molecular consequence: missense variant.
Genome position (GRCh38, 1-based): chr5:132,392,510, T>G. VCF-style: chr5-132392510-T-G. GRCh37 (hg19) VCF-style: chr5-131728202-T-G.
Other names: p.Y449D:TAC>GAC; c.1417T>G, p.Tyr473Asp (NM_001308122.2); short protein forms Y473D.
Identifiers: ClinVar variation 25420 (VCV000025420.83), dbSNP rs11568514, ClinGen allele CA285513.
Genomic context (GRCh38, chr5:132,392,510, plus strand): 5'-ACAGTCCTGGTGATGGTGGGCAAGTTTGGAGTCACGGCTGCCTTTTCCATGGTCTACGTG[T>G]ACACAGCCGAGCTGTATCCCACAGTGGTGAGAAACATGGGTGTGGGAGTCAGCTCCACAG-3'
Protein context (NP_003051.1, residues 439-459): VTAAFSMVYV[Tyr449Asp]TAELYPTVVR